The following is an entry in ClinVar:

ClinVar aggregate classification (germline): Uncertain significance (1 of 4 stars; one submission).

Conditions:
Baller-Gerold syndrome (BGS). Also called: CRANIOSYNOSTOSIS WITH RADIAL DEFECTS. Identifiers: Orphanet 1225, MedGen C0265308, MONDO:0009039, OMIM 218600.

gnomAD v4.1: 1 of 1,612,510 alleles (0.000062%); highest among the groups gnomAD compares: Non-Finnish European, 0.000085%; no homozygotes.

Submission:

Labcorp Genetics (formerly Invitae), Labcorp
Classification: Uncertain significance for Baller-Gerold syndrome. Last evaluated: 2020-10-06. Review status: criteria provided, single submitter. Criteria: Invitae Variant Classification Sherloc (09022015). Collection method: clinical testing. Allele origin: germline.
Comment: Algorithms developed to predict the effect of missense changes on protein structure and function (SIFT, Align-GVGD) all suggest that this variant is likely to be tolerated, but these predictions have not been confirmed by published functional studies and their clinical significance is uncertain. In summary, the available evidence is currently insufficient to determine the role of this variant in disease. Therefore, it has been classified as a Variant of Uncertain Significance. This variant is not present in population databases (ExAC no frequency). This variant has not been reported in the literature in individuals with RECQL4-related disease. This sequence change replaces serine with threonine at codon 1031 of the RECQL4 protein (p.Ser1031Thr). The serine residue is moderately conserved and there is a small physicochemical difference between serine and threonine.

NM_004260.4(RECQL4):c.3092G>C (p.Ser1031Thr)

Gene: RECQL4 (RecQ like helicase 4; minus strand). Cytogenetic location: 8q24.3.
Variant type: single nucleotide variant.
Coding change: c.3092G>C on transcript NM_004260.4 (MANE Select); coding-DNA position 3092, G replaced by C.
Protein change: p.Ser1031Thr; replaces serine 1031 with threonine.
Molecular consequence: missense variant.
Genome position (GRCh38, 1-based): chr8:144,512,288, C>G on the plus strand (G>C on the coding strand, the complement: RECQL4 is on the minus strand). VCF-style: chr8-144512288-C-G. GRCh37 (hg19) VCF-style: chr8-145737671-C-G.
Other names: short protein forms S1031T.
Identifiers: ClinVar variation 661399 (VCV000661399.4), dbSNP rs1307953192, ClinGen allele CA372670711.